The following is an entry in ClinVar:

NM_000501.4(ELN):c.1468G>A (p.Gly490Ser)

Genes: ELN (elastin; plus strand), ELN-AS1 (ELN antisense RNA 1; minus strand). Cytogenetic location: 7q11.23.
Variant type: single nucleotide variant.
Coding change: c.1468G>A on transcript NM_000501.4 (MANE Select); coding-DNA position 1468, G replaced by A.
Protein change: p.Gly490Ser; replaces glycine 490 with serine.
Molecular consequence: missense variant. On other transcripts: non-coding transcript variant (1).
Genome position (GRCh38, 1-based): chr7:74,059,939, G>A. VCF-style: chr7-74059939-G-A. GRCh37 (hg19) VCF-style: chr7-73474269-G-A.
Other names: c.1381G>A, p.Gly461Ser (NM_001081752.3); c.1426G>A, p.Gly476Ser (NM_001081753.3); c.1483G>A, p.Gly495Ser (NM_001081754.3); c.1411G>A, p.Gly471Ser (NM_001081755.3); c.1468G>A, p.Gly490Ser (NM_001278912.2); c.1225G>A, p.Gly409Ser (NM_001278913.2); c.1396G>A, p.Gly466Ser (NM_001278914.2); c.1486G>A, p.Gly496Ser (NM_001278915.2); and 4 more; short protein forms G401S, G409S, G457S, G461S, G466S, G471S, G476S, G480S.
Identifiers: ClinVar variation 3371173 (VCV003371173.2), dbSNP rs200557183.
Genomic context (GRCh38, chr7:74,059,939, plus strand): 5'-CTTGCAGGGTTAGTTCCTGGTGTCGGCGTGGCTCCTGGAGTTGGCGTGGCTCCTGGTGTC[G>A]GTGTGGCTCCTGGAGTTGGCTTGGCTCCTGGAGTTGGCGTGGCTCCTGGAGTTGGTGTGG-3'
Protein context (NP_000492.2, residues 480-500): APGVGVAPGV[Gly490Ser]VAPGVGLAPG

ClinVar aggregate classification (germline): Conflicting classifications of pathogenicity. Review status: criteria provided, conflicting classifications (1 of 4 stars). 2 submissions from 2 submitters: Uncertain significance (1); Likely benign (1). Last evaluated 2026-09-21.

gnomAD v4.1: 20 of 1,603,312 alleles (0.0012%); highest among the groups gnomAD compares: Admixed American, 0.0067%; no homozygotes.

Submissions (2):

Molecular Diagnostic Laboratory for Inherited Cardiovascular Disease, Montreal Heart Institute
Classification: Likely benign. Last evaluated: 2026-09-21. Review status: criteria provided, single submitter. Criteria: ACMG Guidelines, 2015. Collection method: clinical testing. Allele origin: germline. Affected: no.
Comment: BS1;BP1

GeneDx
Classification: Uncertain significance. Last evaluated: 2024-03-19. Review status: criteria provided, single submitter. Criteria: GeneDx Variant Classification Process June 2021. Collection method: clinical testing. Allele origin: germline. Affected: yes.
Comment: In silico analysis supports that this missense variant has a deleterious effect on protein structure/function; Has not been previously published as pathogenic or benign to our knowledge